The following is an entry in ClinVar:

NM_000260.4(MYO7A):c.2149G>A (p.Asp717Asn)

Gene: MYO7A (myosin VIIA; plus strand). Cytogenetic location: 11q13.5.
Variant type: single nucleotide variant.
Coding change: c.2149G>A on transcript NM_000260.4 (MANE Select); coding-DNA position 2149, G replaced by A.
Protein change: p.Asp717Asn; replaces aspartic acid 717 with asparagine.
Molecular consequence: missense variant.
Genome position (GRCh38, 1-based): chr11:77,175,426, G>A. VCF-style: chr11-77175426-G-A. GRCh37 (hg19) VCF-style: chr11-76886472-G-A.
Other names: c.2149G>A (NM_000260.3); c.2149G>A, p.Asp717Asn (NM_001127180.2); c.2116G>A, p.Asp706Asn (NM_001369365.1); short protein forms D706N, D717N.
Identifiers: ClinVar variation 1092794 (VCV001092794.11), dbSNP rs782696212, ClinGen allele CA6197728.

ClinVar aggregate classification (germline): Conflicting classifications of pathogenicity. Review status: criteria provided, conflicting classifications (1 of 4 stars). 4 submissions from 4 submitters: Uncertain significance (3); Likely benign (1). Last evaluated 2026-06-19.

Conditions:
MYO7A-related disorder. Also called: MYO7A-related disorders.

Allele frequency attached by ClinVar (database versions not stated): gnomAD 0.00002; TOPMed 0.00003; gnomAD exomes 0.00014; ExAC 0.00017.
gnomAD v4.1: 197 of 1,613,264 alleles (0.012%); highest among the groups gnomAD compares: South Asian, 0.083%; 1 homozygote.

Submissions (4):

PreventionGenetics, part of Exact Sciences
Classification: Uncertain significance for MYO7A-related condition. Last evaluated: 2026-06-19. Review status: criteria provided, single submitter. Criteria: ACMG Guidelines, 2015. Collection method: clinical testing. Allele origin: germline.
Comment: The MYO7A c.2149G>A variant is predicted to result in the amino acid substitution p.Asp717Asn. To our knowledge, this variant has not been reported in the literature in individuals with MYO7A-related disease. This variant is present in 0.088% of alleles in individuals of South Asian descent in gnomAD, which may be too common to be a primary cause of disease. Although we suspect that this variant may be benign, at this time, the clinical significance of this variant is uncertain due to the absence of conclusive functional and genetic evidence.

Labcorp Genetics (formerly Invitae), Labcorp
Classification: Likely benign. Last evaluated: 2025-11-04. Review status: criteria provided, single submitter. Criteria: Invitae Variant Classification Sherloc (09022015). Collection method: clinical testing. Allele origin: germline.

Blueprint Genetics
Classification: Uncertain significance. Last evaluated: 2024-02-12. Review status: criteria provided, single submitter. Criteria: ACMG Guidelines, 2015. Collection method: clinical testing. Allele origin: germline.

GeneDx
Classification: Uncertain significance. Last evaluated: 2023-04-05. Review status: criteria provided, single submitter. Criteria: GeneDx Variant Classification Process June 2021. Collection method: clinical testing. Allele origin: germline. Affected: yes.
Comment: In silico analysis supports that this missense variant does not alter protein structure/function; Has not been previously published as pathogenic or benign in association to MYO7A-related disorders to our knowledge; This variant is associated with the following publications: (PMID: 32368696)